The following is an entry in ClinVar:

ClinVar aggregate classification (germline): Likely benign. Review status: criteria provided, multiple submitters, no conflicts (2 of 4 stars). 3 submissions from 3 submitters: Likely benign (2). 1 of the submissions does not count toward it. Last evaluated 2026-01-04.

Conditions:
APC2-related disorder. Also called: APC2-Related Disorders; APC2-related condition.

Allele frequency attached by ClinVar (database versions not stated): gnomAD exomes 0.00015 and 0.00042; ExAC 0.00053; 1000 Genomes Project 30x 0.00109; 1000 Genomes Project 0.00120; TOPMed 0.00146; gnomAD 0.00150 and 0.00160; ESP Exome Variant Server 0.00154.
gnomAD v4.1: 467 of 1,613,076 alleles (0.029%); highest among the groups gnomAD compares: African/African-American, 0.46%; no homozygotes.

Submissions (3):

Labcorp Genetics (formerly Invitae), Labcorp
Classification: Likely benign. Last evaluated: 2026-01-04. Review status: criteria provided, single submitter. Criteria: Invitae Variant Classification Sherloc (09022015). Collection method: clinical testing. Allele origin: germline.

Breakthrough Genomics
Classification: Likely benign. Review status: criteria provided, single submitter. Criteria: ACMG Guidelines, 2015. Collection method: not provided. Allele origin: germline. Inheritance: Autosomal recessive inheritance. Affected: yes.

PreventionGenetics, part of Exact Sciences
Classification: Likely benign for APC2-related condition. Last evaluated: 2022-07-08. Review status: no assertion criteria provided. Collection method: clinical testing. Allele origin: germline. Not counted in ClinVar's aggregate classification.
Comment: This variant is classified as likely benign based on ACMG/AMP sequence variant interpretation guidelines (Richards et al. 2015 PMID: 25741868, with internal and published modifications).

NM_005883.3(APC2):c.1460G>A (p.Arg487His)

Gene: APC2 (APC regulator of Wnt signaling pathway 2; plus strand). Cytogenetic location: 19p13.3.
Variant type: single nucleotide variant.
Coding change: c.1460G>A on transcript NM_005883.3 (MANE Select); coding-DNA position 1460, G replaced by A.
Protein change: p.Arg487His; replaces arginine 487 with histidine.
Molecular consequence: missense variant.
Genome position (GRCh38, 1-based): chr19:1,460,796, G>A. VCF-style: chr19-1460796-G-A. GRCh37 (hg19) VCF-style: chr19-1460795-G-A.
Other names: c.1457G>A, p.Arg486His (NM_001351273.1); short protein forms R486H, R487H.
Identifiers: ClinVar variation 773346 (VCV000773346.12), dbSNP rs139596517, ClinGen allele CA9045105.